The following is an entry in ClinVar:

NM_199242.3(UNC13D):c.1056-13C>T

Gene: UNC13D (unc-13 homolog D; minus strand). Cytogenetic location: 17q25.1.
Variant type: single nucleotide variant.
Coding change: c.1056-13C>T on transcript NM_199242.3 (MANE Select); 13 bases into the intron before coding-DNA position 1056, C replaced by T.
Molecular consequence: intron variant.
Genome position (GRCh38, 1-based): chr17:75,836,931, G>A on the plus strand (C>T on the coding strand, the complement: UNC13D is on the minus strand). VCF-style: chr17-75836931-G-A. GRCh37 (hg19) VCF-style: chr17-73833012-G-A.
Identifiers: ClinVar variation 263210 (VCV000263210.15), dbSNP rs141030299, ClinGen allele CA8773135.

ClinVar aggregate classification (germline): Benign/Likely benign. Review status: criteria provided, multiple submitters, no conflicts (2 of 4 stars). 4 submissions from 4 submitters: Benign (2); Likely benign (2). Last evaluated 2026-02-04.

Conditions:
Familial hemophagocytic lymphohistiocytosis 3 (FHL3). Also called: UNC13D-Related Familial Hemophagocytic Lymphohistiocytosis (UNC13D-fHLH). Identifiers: Orphanet 540, MedGen C1837174, MONDO:0012146, OMIM 608898.

Allele frequency attached by ClinVar (database versions not stated): ESP Exome Variant Server 0.00015; gnomAD 0.00169 and 0.00245; TOPMed 0.00229; ExAC 0.00442; gnomAD exomes 0.00506; 1000 Genomes Project 30x 0.01452; 1000 Genomes Project 0.01677.
gnomAD v4.1: 2,248 of 1,611,906 alleles (0.14%); highest among the groups gnomAD compares: East Asian, 4.2%; 70 homozygotes.

Submissions (4):

Labcorp Genetics (formerly Invitae), Labcorp
Classification: Benign for Familial hemophagocytic lymphohistiocytosis 3. Last evaluated: 2026-02-04. Review status: criteria provided, single submitter. Criteria: Invitae Variant Classification Sherloc (09022015). Collection method: clinical testing. Allele origin: germline.

Blueprint Genetics
Classification: Likely benign. Last evaluated: 2024-11-08. Review status: criteria provided, single submitter. Criteria: ACMG Guidelines, 2015. Collection method: clinical testing. Allele origin: germline.

Illumina Laboratory Services, Illumina
Classification: Benign for Familial hemophagocytic lymphohistiocytosis 3. Last evaluated: 2018-01-12. Review status: criteria provided, single submitter. Criteria: ICSL Variant Classification Criteria 13 December 2019. Collection method: clinical testing. Allele origin: germline.
Comment: This variant was observed in the ICSL laboratory as part of a predisposition screen in an ostensibly healthy population. It had not been previously curated by ICSL or reported in the Human Gene Mutation Database (HGMD: prior to June 1st, 2018), and was therefore a candidate for classification through an automated scoring system. Utilizing variant allele frequency, disease prevalence and penetrance estimates, and inheritance mode, an automated score was calculated to assess if this variant is too frequent to cause the disease. Based on the score and internal cut-off values, a variant classified as benign is not then subjected to further curation. The score for this variant resulted in a classification of benign for this disease.

PreventionGenetics, part of Exact Sciences
Classification: Likely benign. Review status: criteria provided, single submitter. Criteria: ACMG Guidelines, 2015. Collection method: clinical testing. Allele origin: germline.